The following is an entry in ClinVar:

NM_000426.4(LAMA2):c.4261C>T (p.Gln1421Ter)

Gene: LAMA2 (laminin subunit alpha 2; plus strand). Cytogenetic location: 6q22.33.
Variant type: single nucleotide variant.
Coding change: c.4261C>T on transcript NM_000426.4 (MANE Select); coding-DNA position 4261, C replaced by T.
Protein change: p.Gln1421Ter; replaces glutamine 1421 with a stop codon.
Molecular consequence: nonsense.
Genome position (GRCh38, 1-based): chr6:129,328,362, C>T. VCF-style: chr6-129328362-C-T. GRCh37 (hg19) VCF-style: chr6-129649507-C-T.
Other names: c.4261C>T, p.Gln1421Ter (NM_001079823.2); short protein forms Q1421*.
Identifiers: ClinVar variation 2152017 (VCV002152017.4), dbSNP rs1775428953, ClinGen allele CA365614390.

ClinVar aggregate classification (germline): Pathogenic (1 of 4 stars; one submission).

Conditions:
LAMA2-related muscular dystrophy (LAMA2-RD). Also called: Laminin alpha 2-related dystrophy. Identifiers: MedGen C5679788, MONDO:0100228.

Allele frequency attached by ClinVar (database versions not stated): TOPMed below 0.00001.

Submission:

Labcorp Genetics (formerly Invitae), Labcorp
Classification: Pathogenic for LAMA2-related muscular dystrophy. Last evaluated: 2022-03-09. Review status: criteria provided, single submitter. Criteria: Invitae Variant Classification Sherloc (09022015). Collection method: clinical testing. Allele origin: germline.
Comment: For these reasons, this variant has been classified as Pathogenic. This premature translational stop signal has been observed in individual(s) with LAMA2-related muscular dystrophy (LAMA2 MD) (PMID: 30055037). In at least one individual the data is consistent with being in trans (on the opposite chromosome) from a pathogenic variant. This variant is not present in population databases (gnomAD no frequency). This sequence change creates a premature translational stop signal (p.Gln1421*) in the LAMA2 gene. It is expected to result in an absent or disrupted protein product. Loss-of-function variants in LAMA2 are known to be pathogenic (PMID: 18700894, 32904964).

Literature cited by the submitters: PubMed 30055037; PubMed 18700894; PubMed 32904964.